The following is an entry in ClinVar:

ClinVar aggregate classification (germline): Pathogenic (1 of 4 stars; one submission).

Conditions:
DICER1-related tumor predisposition. Also called: DICER1 syndrome; DICER1-related pleuropulmonary blastoma cancer predisposition syndrome. Identifiers: Orphanet 284343, MedGen C3839822, MONDO:0100216.

Submission:

Labcorp Genetics (formerly Invitae), Labcorp
Classification: Pathogenic for DICER1-related tumor predisposition. Last evaluated: 2021-06-09. Review status: criteria provided, single submitter. Criteria: Invitae Variant Classification Sherloc (09022015). Collection method: clinical testing. Allele origin: germline.
Comment: This sequence change creates a premature translational stop signal (p.Glu731*) in the DICER1 gene. It is expected to result in an absent or disrupted protein product. Loss-of-function variants in DICER1 are known to be pathogenic (PMID: 19556464, 21266384). This variant is not present in population databases (ExAC no frequency). This variant has not been reported in the literature in individuals with DICER1-related conditions. For these reasons, this variant has been classified as Pathogenic.

Literature cited by the submitters: PubMed 19556464; PubMed 21266384.

NM_177438.3(DICER1):c.2191G>T (p.Glu731Ter)

Gene: DICER1 (dicer 1, ribonuclease III; minus strand). Cytogenetic location: 14q32.13.
Variant type: single nucleotide variant.
Coding change: c.2191G>T on transcript NM_177438.3 (MANE Select); coding-DNA position 2191, G replaced by T.
Protein change: p.Glu731Ter; replaces glutamic acid 731 with a stop codon.
Molecular consequence: nonsense.
Genome position (GRCh38, 1-based): chr14:95,111,382, C>A on the plus strand (G>T on the coding strand, the complement: DICER1 is on the minus strand). VCF-style: chr14-95111382-C-A. GRCh37 (hg19) VCF-style: chr14-95577719-C-A.
Other names: c.2191G>T, p.Glu731Ter (NM_001195573.1, NM_001271282.3, NM_001291628.2 and 1 more transcripts); short protein forms E731*.
Identifiers: ClinVar variation 1402541 (VCV001402541.7), dbSNP rs869025262, ClinGen allele CA390882664.
Genomic context (GRCh38, chr14:95,111,382, plus strand): 5'-TTGGGTAGCACTGCCTTCGTTTCGTGGAACCTGGTCTTCCTGGAACACTGGTCTCTTCTT[C>A]ATCATGCAAATCAAGCTCCTCTTCATATTTAACAGTCTCTTTCCCAACTGGCATCAAATG-3'